The following is an entry in ClinVar:

NM_006767.4(LZTR1):c.2070-7T>A

Gene: LZTR1 (leucine zipper like post translational regulator 1; plus strand). Cytogenetic location: 22q11.21.
Variant type: single nucleotide variant.
Coding change: c.2070-7T>A on transcript NM_006767.4 (MANE Select); 7 bases into the intron before coding-DNA position 2070, T replaced by A.
Molecular consequence: intron variant.
Genome position (GRCh38, 1-based): chr22:20,995,956, T>A. VCF-style: chr22-20995956-T-A. GRCh37 (hg19) VCF-style: chr22-21350245-T-A.
Identifiers: ClinVar variation 1928804 (VCV001928804.6), dbSNP rs2518624330, ClinGen allele CA2580099274.

ClinVar aggregate classification (germline): Uncertain significance. Review status: criteria provided, multiple submitters, no conflicts (2 of 4 stars). 2 submissions from 2 submitters: Uncertain significance (2). Last evaluated 2023-05-08.

Conditions:
LZTR1-related schwannomatosis. Also called: Schwannomatosis 2; Schwannomatosis-2, susceptibility to. Identifiers: Orphanet 93921, MedGen C3810283, MONDO:0014299, OMIM 615670.

Submissions (2):

Baylor Genetics
Classification: Uncertain significance for LZTR1-related schwannomatosis. Last evaluated: 2023-05-08. Review status: criteria provided, single submitter. Criteria: ACMG Guidelines, 2015. Collection method: clinical testing. Allele origin: unknown.

Labcorp Genetics (formerly Invitae), Labcorp
Classification: Uncertain significance. Last evaluated: 2022-05-12. Review status: criteria provided, single submitter. Criteria: Invitae Variant Classification Sherloc (09022015). Collection method: clinical testing. Allele origin: germline.
Comment: In summary, the available evidence is currently insufficient to determine the role of this variant in disease. Therefore, it has been classified as a Variant of Uncertain Significance. Algorithms developed to predict the effect of sequence changes on RNA splicing suggest that this variant may create or strengthen a splice site. This variant has not been reported in the literature in individuals affected with LZTR1-related conditions. This variant is not present in population databases (gnomAD no frequency). This sequence change falls in intron 17 of the LZTR1 gene. It does not directly change the encoded amino acid sequence of the LZTR1 protein.